The following is an entry in ClinVar:

ClinVar aggregate classification (germline): Likely pathogenic (1 of 4 stars; one submission).

Conditions:
Tuberous sclerosis 2 (TSC2). Identifiers: Orphanet 805, MedGen C1860707, MONDO:0013199, OMIM 613254.

Submission:

3billion
Classification: Likely pathogenic for Tuberous sclerosis 2. Last evaluated: 2022-09-01. Review status: criteria provided, single submitter. Criteria: ACMG Guidelines, 2015. Collection method: clinical testing. Allele origin: germline. Affected: yes. Observed: 1 heterozygote.
Comment: The variant is not observed in the gnomAD v2.1.1 dataset. Frameshift variant is predicted to result in a loss or disruption of normal protein function through nonsense-mediated decay (NMD) or protein truncation. Multiple pathogenic variants are reported downstream of the variant. Therefore, this variant is classified as Likely pathogenic according to the recommendation of ACMG/AMP guideline.

NM_000548.5(TSC2):c.3385dup (p.Arg1129fs)

Gene: TSC2 (TSC complex subunit 2; plus strand). Cytogenetic location: 16p13.3.
Variant type: Duplication.
Coding change: c.3385dup on transcript NM_000548.5 (MANE Select); coding-DNA position 3385, one base duplicated (C; older notation c.3385dupC).
Protein change: p.Arg1129fs; shifts the reading frame from arginine 1129.
Molecular consequence: frameshift variant.
Genome position (GRCh38, 1-based): chr16:2,079,657, C duplicated; the last of 2 consecutive C bases (chr16:2,079,656-2,079,657); duplicating either gives the same sequence. VCF-style (leftmost placement, unchanged base first): chr16-2079655-T-TC. GRCh37 (hg19) VCF-style: chr16-2129656-T-TC.
Other names: c.3253dup, p.Arg1085fs (NM_001077183.3, NM_001370404.1); c.3385dup, p.Arg1129fs (NM_001114382.3); c.3145dup, p.Arg1049fs (NM_001318827.2); c.3109dup, p.Arg1037fs (NM_001318829.2); c.2653dup, p.Arg885fs (NM_001318831.2); c.3286dup, p.Arg1096fs (NM_001318832.2); c.3256dup, p.Arg1086fs (NM_001363528.2, NM_001370405.1, NM_021055.3); c.3382dup, p.Arg1128Profs (NM_001406663.1, NM_001406664.1); and 20 more; short protein forms R1037fs, R1049fs, R1085fs, R1086fs, R1096fs, R1129fs, R885fs.
Identifiers: ClinVar variation 1705626 (VCV001705626.1), dbSNP rs2544071216, ClinGen allele CA2580090979.